The following is an entry in ClinVar:

NM_001040108.2(MLH3):c.1159_1160dup (p.Ser388fs)

Gene: MLH3 (mutL homolog 3; minus strand). Cytogenetic location: 14q24.3.
Variant type: Microsatellite.
Coding change: c.1159_1160dup on transcript NM_001040108.2 (MANE Select); coding-DNA positions 1159 to 1160, 2 bases duplicated (AG; older notation c.1159_1160dupAG).
Protein change: p.Ser388fs; shifts the reading frame from serine 388.
Molecular consequence: frameshift variant.
Genome position (GRCh38, 1-based): chr14:75,048,496-75,048,497, CT duplicated on the plus strand (AG on the coding strand, the reverse complement: MLH3 is on the minus strand); duplicating any 2 consecutive bases within chr14:75,048,496-75,048,500 gives the same sequence; the c. name uses the placement nearest the transcript's 3' end. VCF-style (leftmost placement, unchanged base first): chr14-75048495-C-CCT. GRCh37 (hg19) VCF-style: chr14-75515198-C-CCT.
Other names: c.1159_1160dup, p.Ser388fs (NM_014381.3); short protein forms S388fs.
Identifiers: ClinVar variation 2756464 (VCV002756464.3), dbSNP rs2503302199, ClinGen allele CA2697554029.

ClinVar aggregate classification (germline): Uncertain significance (1 of 4 stars; one submission).

Conditions:
Colorectal cancer, hereditary nonpolyposis, type 7. Identifiers: Orphanet 144, MedGen C1858380, MONDO:0013725, OMIM 614385.

Submission:

Labcorp Genetics (formerly Invitae), Labcorp
Classification: Uncertain significance for Colorectal cancer, hereditary nonpolyposis, type 7. Last evaluated: 2023-08-30. Review status: criteria provided, single submitter. Criteria: Invitae Variant Classification Sherloc (09022015). Collection method: clinical testing. Allele origin: germline.
Comment: This sequence change creates a premature translational stop signal (p.Ser388Glyfs*12) in the MLH3 gene. It is expected to result in an absent or disrupted protein product. However, the current clinical and genetic evidence is not sufficient to establish whether loss-of-function variants in MLH3 cause disease. This variant is not present in population databases (gnomAD no frequency). In summary, the available evidence is currently insufficient to determine the role of this variant in disease. Therefore, it has been classified as a Variant of Uncertain Significance. This variant has not been reported in the literature in individuals affected with MLH3-related conditions.